The following is an entry in ClinVar:

NM_000540.3(RYR1):c.2871G>A (p.Thr957=)

Gene: RYR1 (ryanodine receptor 1; plus strand). Cytogenetic location: 19q13.2.
Variant type: single nucleotide variant.
Coding change: c.2871G>A on transcript NM_000540.3 (MANE Select); coding-DNA position 2871, G replaced by A.
Protein change: p.Thr957=; no amino-acid change (threonine 957 retained).
Molecular consequence: synonymous variant.
Genome position (GRCh38, 1-based): chr19:38,466,091, G>A. VCF-style: chr19-38466091-G-A. GRCh37 (hg19) VCF-style: chr19-38956731-G-A.
Other names: c.2871G>A, p.Thr957= (NM_001042723.2).
Identifiers: ClinVar variation 3072862 (VCV003072862.1), dbSNP rs2514092671, ClinGen allele CA507352417.

ClinVar aggregate classification (germline): Uncertain significance (1 of 4 stars; one submission).

Conditions:
Malignant hyperthermia, susceptibility to, 1 (MHS1). Also called: Anesthesia related hyperthermia; Malignant hyperpyrexia; Fulminating hyperpyrexia; Pharmacogenic myopathy; RYR1-Related Malignant Hyperthermia Susceptibility; Malignant hyperthermia suceptibility 1. Identifiers: Orphanet 423, MedGen C2930980, MONDO:0007783, OMIM 145600.

Submission:

All of Us Research Program, National Institutes of Health
Classification: Uncertain significance for Malignant hyperthermia, susceptibility to, 1. Last evaluated: 2023-08-15. Review status: criteria provided, single submitter. Criteria: ACMG Guidelines, 2015. Collection method: clinical testing. Allele origin: germline. Inheritance: Autosomal dominant inheritance. Observed: 1 variant allele, 1 heterozygote.
Comment: This variant is located in the RYR1 protein. To our knowledge, functional studies have not been reported for this variant. This variant has not been reported in individuals affected with RYR1-related disorders in the literature. This variant has not been identified in the general population by the Genome Aggregation Database (gnomAD). The available evidence is insufficient to determine the role of this variant in disease conclusively. Therefore, this variant is classified as a Variant of Uncertain Significance.

This study involves interpretation of variants in research participants for the purpose of population health screening. Participant phenotype was not available at the time of variant classification. Additional details can be found in publication PMID: 35346344, PMCID: PMC8962531